The following is an entry in ClinVar:

NM_001374736.1(DST):c.22887C>T (p.Asn7629=)

Gene: DST (dystonin; minus strand). Cytogenetic location: 6p12.1.
Variant type: single nucleotide variant.
Coding change: c.22887C>T on transcript NM_001374736.1 (MANE Select); coding-DNA position 22887, C replaced by T.
Protein change: p.Asn7629=; no amino-acid change (asparagine 7629 retained).
Molecular consequence: synonymous variant.
Genome position (GRCh38, 1-based): chr6:56,463,637, G>A on the plus strand (C>T on the coding strand, the complement: DST is on the minus strand). VCF-style: chr6-56463637-G-A. GRCh37 (hg19) VCF-style: chr6-56328435-G-A.
Other names: c.16458C>T, p.Asn5486= (NM_001144769.5); c.16044C>T, p.Asn5348= (NM_001144770.2); c.22815C>T, p.Asn7605= (NM_001374722.1); c.21927C>T, p.Asn7309= (NM_001374729.1); c.15669C>T, p.Asn5223= (NM_001374730.1); c.22842C>T, p.Asn7614= (NM_001374734.1); c.15906C>T, p.Asn5302= (NM_001386100.1); c.14946C>T, p.Asn4982= (NM_015548.5); and 1 more.
Identifiers: ClinVar variation 2154128 (VCV002154128.2), dbSNP rs1291477986, ClinGen allele CA450482389.

ClinVar aggregate classification (germline): Uncertain significance (1 of 4 stars; one submission).

Conditions:
Hereditary sensory and autonomic neuropathy type 6. Also called: HSAN VI; Neuropathy, hereditary sensory and autonomic, type VI. Identifiers: Orphanet 314381, MedGen C3539003, MONDO:0013839, OMIM 614653.
Epidermolysis bullosa simplex 3, localized or generalized intermediate, with BP230 deficiency (EBS3). Also called: Epidermolysis bullosa simplex due to BP230 deficiency; Epidermolysis bullosa simplex, autosomal recessive 2. Identifiers: Orphanet 412181, MedGen C3809470, MONDO:0014180, OMIM 615425.

gnomAD v4.1: 3 of 1,613,902 alleles (0.00019%); highest among the groups gnomAD compares: Non-Finnish European, 0.00025%; no homozygotes.

Submission:

Labcorp Genetics (formerly Invitae), Labcorp
Classification: Uncertain significance for Epidermolysis bullosa simplex 3, localized or generalized intermediate, with BP230 deficiency; Hereditary sensory and autonomic neuropathy type 6. Last evaluated: 2022-06-18. Review status: criteria provided, single submitter. Criteria: Invitae Variant Classification Sherloc (09022015). Collection method: clinical testing. Allele origin: germline.
Comment: The DST gene has multiple clinically relevant transcripts. This variant occurs in alternate transcript NM_015548.4, and corresponds to NM_001723.5:c.*151880C>T in the primary transcript. This sequence change affects codon 4982 of the DST mRNA. It is a 'silent' change, meaning that it does not change the encoded amino acid sequence of the DST protein. In summary, the available evidence is currently insufficient to determine the role of this variant in disease. Therefore, it has been classified as a Variant of Uncertain Significance. Experimental studies and prediction algorithms are not available or were not evaluated, and the effect of this variant on mRNA splicing is currently unknown. This variant has not been reported in the literature in individuals affected with DST-related conditions. This variant is not present in population databases (gnomAD no frequency).